The following is an entry in ClinVar:

NM_001270508.2(TNFAIP3):c.805+3G>A

Genes: TNFAIP3 (TNF alpha induced protein 3; plus strand), LOC126859807 (MED14-independent group 3 enhancer GRCh37_chr6:138196296-138197495; plus strand). Cytogenetic location: 6q23.3.
Variant type: single nucleotide variant.
Coding change: c.805+3G>A on transcript NM_001270508.2 (MANE Select); 3 bases into the intron after coding-DNA position 805, G replaced by A.
Molecular consequence: intron variant.
Genome position (GRCh38, 1-based): chr6:137,876,169, G>A. VCF-style: chr6-137876169-G-A. GRCh37 (hg19) VCF-style: chr6-138197306-G-A.
Other names: c.805+3G>A (NM_001270507.2, NM_006290.4).
Identifiers: ClinVar variation 2656935 (VCV002656935.24), dbSNP rs890381890, ClinGen allele CA148260991.

ClinVar aggregate classification (germline): Uncertain significance (1 of 4 stars; one submission).

Submission:

CeGaT Center for Human Genetics Tuebingen
Classification: Uncertain significance. Last evaluated: 2023-01-01. Review status: criteria provided, single submitter. Criteria: CeGaT Center For Human Genetics Tuebingen Variant Classification Criteria Version 2. Collection method: clinical testing. Allele origin: germline. Affected: yes. Observed: 1 variant allele.
Comment: TNFAIP3: PM2, BP4